The following is an entry in ClinVar:

ClinVar aggregate classification (germline): Likely benign (1 of 4 stars; one submission).

Allele frequency attached by ClinVar (database versions not stated): 1000 Genomes Project 0.00120; 1000 Genomes Project 30x 0.00125; gnomAD 0.00164; ESP Exome Variant Server 0.00175; TOPMed 0.00183.
gnomAD v4.1: 2,570 of 1,609,498 alleles (0.16%); highest among the groups gnomAD compares: Middle Eastern, 0.79%; 10 homozygotes.

Submission:

CeGaT Center for Human Genetics Tuebingen
Classification: Likely benign. Last evaluated: 2025-03-01. Review status: criteria provided, single submitter. Criteria: CeGaT Center For Human Genetics Tuebingen Variant Classification Criteria Version 2. Collection method: clinical testing. Allele origin: germline. Affected: yes. Observed: 2 variant alleles.
Comment: PIK3C2G: BP4, BS2

NM_001288772.2(PIK3C2G):c.2430C>A (p.Asn810Lys)

Gene: PIK3C2G (phosphatidylinositol-4-phosphate 3-kinase catalytic subunit type 2 gamma; plus strand). Cytogenetic location: 12p12.3.
Variant type: single nucleotide variant.
Coding change: c.2430C>A on transcript NM_001288772.2 (MANE Select); coding-DNA position 2430, C replaced by A.
Protein change: p.Asn810Lys; replaces asparagine 810 with lysine.
Molecular consequence: missense variant.
Genome position (GRCh38, 1-based): chr12:18,423,965, C>A. VCF-style: chr12-18423965-C-A. GRCh37 (hg19) VCF-style: chr12-18576899-C-A.
Other names: c.1764C>A, p.Asn588Lys (NM_001288774.2); c.2307C>A, p.Asn769Lys (NM_004570.6); short protein forms N588K, N769K, N810K.
Identifiers: ClinVar variation 2642764 (VCV002642764.24), dbSNP rs61754414, ClinGen allele CA6470335.